The following is an entry in ClinVar:

ClinVar aggregate classification (germline): Likely benign. Review status: criteria provided, multiple submitters, no conflicts (2 of 4 stars). 2 submissions from 2 submitters: Likely benign (2). Last evaluated 2024-08-01.

Submissions (2):

CeGaT Center for Human Genetics Tuebingen
Classification: Likely benign. Last evaluated: 2024-08-01. Review status: criteria provided, single submitter. Criteria: CeGaT Center For Human Genetics Tuebingen Variant Classification Criteria Version 2. Collection method: clinical testing. Allele origin: germline. Affected: yes. Observed: 1 variant allele.
Comment: KMT2D: BP4, BP7

Blueprint Genetics
Classification: Likely benign. Last evaluated: 2021-07-30. Review status: criteria provided, single submitter. Criteria: ACMG Guidelines, 2015. Collection method: clinical testing. Allele origin: germline.

NM_003482.4(KMT2D):c.11736T>G (p.Leu3912=)

Gene: KMT2D (lysine methyltransferase 2D; minus strand). Cytogenetic location: 12q13.12.
Variant type: single nucleotide variant.
Coding change: c.11736T>G on transcript NM_003482.4 (MANE Select); coding-DNA position 11736, T replaced by G.
Protein change: p.Leu3912=; no amino-acid change (leucine 3912 retained).
Molecular consequence: synonymous variant.
Genome position (GRCh38, 1-based): chr12:49,032,969, A>C on the plus strand (T>G on the coding strand, the complement: KMT2D is on the minus strand). VCF-style: chr12-49032969-A-C. GRCh37 (hg19) VCF-style: chr12-49426752-A-C.
Identifiers: ClinVar variation 3341513 (VCV003341513.17).
Genomic context (GRCh38, chr12:49,032,969, plus strand): 5'-TTGAAGCTGTTGCTGCTGAAGTTGCTGTTGCTGTTGTAGCTGCTGCTGCTGCTGCTGCTG[A>C]AGTTGCTGTTGCTGTTGCAGCTGCTGCTGCTGCTGAAGCTGCTGTAAAGAGCCCATGGGC-3'
Protein context (NP_003473.3, residues 3902-3922): QQQQLQQQQQ[Leu3912=]QQQQQQQLQQ